The following is an entry in ClinVar:

NM_004260.4(RECQL4):c.447C>A (p.Pro149=)

Gene: RECQL4 (RecQ like helicase 4; minus strand). Cytogenetic location: 8q24.3.
Variant type: single nucleotide variant.
Coding change: c.447C>A on transcript NM_004260.4 (MANE Select); coding-DNA position 447, C replaced by A.
Protein change: p.Pro149=; no amino-acid change (proline 149 retained).
Molecular consequence: synonymous variant. On other transcripts: 5 prime UTR variant (12), non-coding transcript variant (3), intron variant (6).
Genome position (GRCh38, 1-based): chr8:144,516,672, G>T on the plus strand (C>A on the coding strand, the complement: RECQL4 is on the minus strand). VCF-style: chr8-144516672-G-T. GRCh37 (hg19) VCF-style: chr8-145742056-G-T.
Other names: c.447C>A, p.Pro149= (NM_001413017.1, NM_001413018.1, NM_001413019.1 and 4 more transcripts); c.-625C>A (NM_001413022.1, NM_001413023.1, NM_001413037.1 and 3 more transcripts); c.318C>A, p.Pro106= (NM_001413025.1); c.-687C>A (NM_001413027.1, NM_001413030.1, NM_001413031.1 and 1 more transcripts); c.-529C>A (NM_001413034.1); c.-894C>A (NM_001413043.1); c.355-259C>A (NM_001413029.1); c.-676-11C>A (NM_001413032.1); and 3 more.
Identifiers: ClinVar variation 2025095 (VCV002025095.4), dbSNP rs377485079, ClinGen allele CA463568095.
Genomic context (GRCh38, chr8:144,516,672, plus strand): 5'-TGGCCTTGGCTGGGGCTCAGGGAGCTGTGGAGGCTCATCACTGACTTTTTCTGCAAAGGA[G>T]GGGACAGGCCCTGTACCTGGGGGCTTTGGGGTGGATGCCTTAGATGAGGCTCTTCCTAGA-3'
Protein context (NP_004251.4, residues 139-159): TPKPPGTGPV[Pro149=]SFAEKVSDEP

ClinVar aggregate classification (germline): Uncertain significance (1 of 4 stars; one submission).

Conditions:
Baller-Gerold syndrome (BGS). Also called: CRANIOSYNOSTOSIS WITH RADIAL DEFECTS. Identifiers: Orphanet 1225, MedGen C0265308, MONDO:0009039, OMIM 218600.

gnomAD v4.1: 1 of 1,596,640 alleles (0.000063%); highest among the groups gnomAD compares: Non-Finnish European, 0.000085%; no homozygotes.

Submission:

Labcorp Genetics (formerly Invitae), Labcorp
Classification: Uncertain significance for Baller-Gerold syndrome. Last evaluated: 2022-08-20. Review status: criteria provided, single submitter. Criteria: Invitae Variant Classification Sherloc (09022015). Collection method: clinical testing. Allele origin: germline.
Comment: In summary, the available evidence is currently insufficient to determine the role of this variant in disease. Therefore, it has been classified as a Variant of Uncertain Significance. Experimental studies and prediction algorithms are not available or were not evaluated, and the effect of this variant on mRNA splicing is currently unknown. This variant has not been reported in the literature in individuals affected with RECQL4-related conditions. This variant is not present in population databases (gnomAD no frequency). This sequence change affects codon 149 of the RECQL4 mRNA. It is a 'silent' change, meaning that it does not change the encoded amino acid sequence of the RECQL4 protein.